The following continues an entry in ClinVar:

NM_000540.3(RYR1):c.14678G>A (p.Arg4893Gln)

Gene: RYR1. ClinVar aggregate classification (germline): Uncertain significance. Uncertain significance (1).

Submissions 8 to 14 of 14:

3billion
Classification: Likely pathogenic for Central core myopathy. Last evaluated: 2023-12-29. Review status: criteria provided, single submitter. Criteria: ACMG Guidelines, 2015. Collection method: clinical testing. Allele origin: germline. Affected: yes. Not counted in ClinVar's aggregate classification.
Comment: The variant is not observed in the gnomAD v2.1.1 dataset. Predicted Consequence/Location: Missense variant In silico tool predictions suggest damaging effect of the variant on gene or gene product [REVEL: 0.96 (>=0.6, sensitivity 0.68 and specificity 0.92); 3Cnet: 0.92 (>=0.6, sensitivity 0.72 and precision 0.9)]. Same nucleotide change resulting in same amino acid change has been previously reported as pathogenic/likely pathogenic with strong evidence (ClinVar ID: VCV000065988 /PMID: 12565913 /3billion dataset). Different missense changes at the same codon (p.Arg4893Pro, p.Arg4893Trp) have been reported as pathogenic/likely pathogenic with strong evidence (ClinVar ID: VCV000065987, VCV000065989 /PMID: 11709545, 16621918). Therefore, this variant is classified as Likely pathogenic according to the recommendation of ACMG/AMP guideline.

Ambry Genetics
Classification: Likely pathogenic for Inborn genetic diseases. Last evaluated: 2023-11-30. Review status: criteria provided, single submitter. Criteria: Ambry Variant Classification Scheme 2023. Collection method: clinical testing. Allele origin: germline. Not counted in ClinVar's aggregate classification.
Comment: The c.14678G>A (p.R4893Q) alteration is located in exon 102 (coding exon 102) of the RYR1 gene. This alteration results from a G to A substitution at nucleotide position 14678, causing the arginine (R) at amino acid position 4893 to be replaced by a glutamine (Q)._x000D_ _x000D_ for autosomal dominant RYR1-related myopathy; however, its clinical significance for autosomal dominant malignant hyperthermia susceptibility is uncertain. This variant was not reported in population-based cohorts in the Genome Aggregation Database (gnomAD). This variant has been reported in the heterozygous state in multiple individuals with central core disease or other clinical symptoms of RYR1-related myopathy (Zhou, 2007; Kraeva, 2013; Savarese, 2014; Jung, 2015; Todd, 2018; Monies, 2019; Chang, 2022). It has been observed to segregate with disease in one family with central core disease (Chang, 2013). Additionally, this variant has also been observed in three unrelated families with malignant hyperthermia susceptibility (Miller, 2018). Another alteration at the same codon, c.14677C>T (p.R4893W), has been reported in individuals with clinical features consistent with RYR1-related myopathy (Monnier, 2001; Quinlivan, 2003). This amino acid position is highly conserved in available vertebrate species. This alteration is predicted to be deleterious by in silico analysis. Based on the available evidence, this alteration is classified as likely pathogenic.

Revvity Omics, Revvity
Classification: Likely pathogenic. Last evaluated: 2023-06-14. Review status: criteria provided, single submitter. Criteria: ACMG Guidelines, 2015. Collection method: clinical testing. Allele origin: germline. Not counted in ClinVar's aggregate classification.

Women's Health and Genetics/Laboratory Corporation of America, LabCorp
Classification: Pathogenic for RYR1-related disorder. Last evaluated: 2022-03-24. Review status: criteria provided, single submitter. Criteria: LabCorp Variant Classification Summary - May 2015. Collection method: clinical testing. Allele origin: germline. Not counted in ClinVar's aggregate classification.
Comment: Variant summary: RYR1 c.14678G>A (p.Arg4893Gln) results in a conservative amino acid change located in the Ion transport domain (IPR005821) of the encoded protein sequence. Four of five in-silico tools predict a damaging effect of the variant on protein function. The variant was absent in 282656 control chromosomes (gnomAD and publication data). c.14678G>A has been reported in the literature in multiple individuals affected with Central Core Disease and Malignant Hyperthermia Susceptibility (e.g. Davis_2003, Chang_2013, Kraeva_2013, Jung_2015, Miller_2018). In addition, this variant was co-segregated with disease in at least two unrelative families (Chang_2013, Miller_2018). These data indicate that the variant is very likely to be associated with disease. Experimental evidence evaluating an impact on protein function showed that equivalent mutations in rabbit RYR1 has equivalent Ca2+ signaling activity as an RYR1 null control in a cell transfection assay (Kraeva_2013) and showed 60% reduction in voltage sensitivity when assayed via electrophysiology (Kraeva_2013). Different missense substitutions at this codon (R4893P, R4893W) were reported in individuals affected with Central core disease in HGMD database (PMID: 16621918, 11709545). This suggests that the arginine residue is critical for RYR1 protein function and that other missense substitutions at this position may also be pathogenic (R4893P and R4893W have been classified as pathogenic in ClinVar database). Six ClinVar submitters, including one expert panel, has assessed the variant since 2014: the variant was classified as of uncertain significance by the expert panel, as likely pathogenic by one laboratory, and pathogenic by four laboratories. Based on the evidence outlined above, the variant was classified as pathogenic.

Genetic Services Laboratory, University of Chicago
Classification: Likely pathogenic. Last evaluated: 2016-03-04. Review status: criteria provided, single submitter. Criteria: ACMG Guidelines, 2015. Collection method: clinical testing. Allele origin: germline. Affected: yes. Not counted in ClinVar's aggregate classification.

GeneReviews
Classification: Pathogenic for Central Core Disease. Last evaluated: 2010-05-11. Review status: no assertion criteria provided. Collection method: curation. Allele origin: unknown. Not counted in ClinVar's aggregate classification.
ClinVar note: Converted during submission from pathologic to Pathogenic.

RYR1 database
No classification provided. Review status: no classification provided. Collection method: not provided. Allele origin: unknown. Not counted in ClinVar's aggregate classification.

Literature cited by the submitters: DOI 10.1016/s0960-8966(02)00218-3 (cited by Department of Pathophysiology and Transplantation, IRCCS Foundation Ca' Granda Ospedale Maggiore Policlinico); DOI 10.1002/humu.20356 (cited by Department of Pathophysiology and Transplantation, IRCCS Foundation Ca' Granda Ospedale Maggiore Policlinico); DOI 10.1093/brain/awm096 (cited by Department of Pathophysiology and Transplantation, IRCCS Foundation Ca' Granda Ospedale Maggiore Policlinico); DOI 10.1177/0883073812441251 (cited by Department of Pathophysiology and Transplantation, IRCCS Foundation Ca' Granda Ospedale Maggiore Policlinico); PubMed 12565913 (cited by 5 submitters); PubMed 22550088 (cited by 4 submitters); PubMed 23183335 (cited by 4 submitters); PubMed 25628744 (cited by 4 submitters); PubMed 30236257 (cited by 4 submitters); PubMed 11709545 (cited by 3 submitters); PubMed 14670767 (cited by Labcorp Genetics (formerly Invitae), Labcorp and Ambry Genetics); PubMed 35693006 (cited by Athena Diagnostics and Ambry Genetics); PubMed 35081925 (cited by Athena Diagnostics and Ambry Genetics); PubMed 33646171 (cited by Athena Diagnostics); PubMed 38968056 (cited by Athena Diagnostics); PubMed 29669168 (cited by Athena Diagnostics and Ambry Genetics); PubMed 17483490 (cited by 3 submitters); PubMed 25331388 (cited by Athena Diagnostics); PubMed 25214167 (cited by Ambry Genetics); PubMed 30155738 (cited by Ambry Genetics); PubMed 31130284 (cited by Ambry Genetics).